The following is an entry in ClinVar:

ClinVar aggregate classification (germline): Uncertain significance. Review status: criteria provided, multiple submitters, no conflicts (2 of 4 stars). 2 submissions from 2 submitters: Uncertain significance (2). Last evaluated 2023-07-25.

Conditions:
Atrial fibrillation, familial, 11 (ATFB11). Identifiers: MedGen C3279693, MONDO:0013544, OMIM 614049.
Atrial standstill 1 (ATRST1). Also called: ATRIAL CARDIOMYOPATHY WITH HEART BLOCK; CARDIOMYOPATHY, FAMILIAL, WITH CONDUCTION DISTURBANCE; Atrial standstill, digenic (GJA5/SCN5A). Identifiers: Orphanet 1344, MedGen C4551959, MONDO:0007171, OMIM 108770.

Submissions (2):

GeneDx
Classification: Uncertain significance. Last evaluated: 2023-07-25. Review status: criteria provided, single submitter. Criteria: GeneDx Variant Classification Process June 2021. Collection method: clinical testing. Allele origin: germline. Affected: yes.
Comment: Not observed at significant frequency in large population cohorts (gnomAD); In silico analysis supports that this missense variant does not alter protein structure/function; Has not been previously published as pathogenic or benign to our knowledge

Labcorp Genetics (formerly Invitae), Labcorp
Classification: Uncertain significance for Atrial fibrillation, familial, 11; Atrial standstill 1. Last evaluated: 2023-05-04. Review status: criteria provided, single submitter. Criteria: Invitae Variant Classification Sherloc (09022015). Collection method: clinical testing. Allele origin: germline.
Comment: In summary, the available evidence is currently insufficient to determine the role of this variant in disease. Therefore, it has been classified as a Variant of Uncertain Significance. Advanced modeling of protein sequence and biophysical properties (such as structural, functional, and spatial information, amino acid conservation, physicochemical variation, residue mobility, and thermodynamic stability) performed at Invitae indicates that this missense variant is not expected to disrupt GJA5 protein function. This variant has not been reported in the literature in individuals affected with GJA5-related conditions. This variant is not present in population databases (gnomAD no frequency). This sequence change replaces proline, which is neutral and non-polar, with glutamine, which is neutral and polar, at codon 126 of the GJA5 protein (p.Pro126Gln).

NM_181703.4(GJA5):c.377C>A (p.Pro126Gln)

Gene: GJA5 (gap junction protein alpha 5; minus strand). Cytogenetic location: 1q21.2.
Variant type: single nucleotide variant.
Coding change: c.377C>A on transcript NM_181703.4 (MANE Select); coding-DNA position 377, C replaced by A.
Protein change: p.Pro126Gln; replaces proline 126 with glutamine.
Molecular consequence: missense variant.
Genome position (GRCh38, 1-based): chr1:147,758,862, G>T on the plus strand (C>A on the coding strand, the complement: GJA5 is on the minus strand). VCF-style: chr1-147758862-G-T. GRCh37 (hg19) VCF-style: chr1-147230970-G-T.
Other names: c.377C>A, p.Pro126Gln (NM_005266.7); short protein forms P126Q.
Identifiers: ClinVar variation 2940826 (VCV002940826.4), dbSNP rs782780433, ClinGen allele CA342396580.